The following is an entry in ClinVar:

NM_000179.3(MSH6):c.201C>G (p.Pro67=)

Gene: MSH6 (mutS homolog 6; plus strand). Cytogenetic location: 2p16.3.
Variant type: single nucleotide variant.
Coding change: c.201C>G on transcript NM_000179.3 (MANE Select); coding-DNA position 201, C replaced by G.
Protein change: p.Pro67=; no amino-acid change (proline 67 retained).
Molecular consequence: synonymous variant. On other transcripts: 5 prime UTR variant (1).
Genome position (GRCh38, 1-based): chr2:47,783,434, C>G. VCF-style: chr2-47783434-C-G. GRCh37 (hg19) VCF-style: chr2-48010573-C-G.
Other names: c.201C>G, p.Pro67= (NM_001281492.2); c.-536C>G (NM_001281493.2).
Identifiers: ClinVar variation 479907 (VCV000479907.21), dbSNP rs1553408363, ClinGen allele CA426120784.
Genomic context (GRCh38, chr2:47,783,434, plus strand): 5'-TGCGGCCTGGAGCGAGGCTGGGCCTGGGCCCAGGCCCTTGGCGCGCTCCGCGTCACCGCC[C>G]AAGGCGAAGAACCTCAACGGAGGGCTGCGGAGATCGGTAGCGCCTGCTGCCCCCACCAGG-3'
Protein context (NP_000170.1, residues 57-77): PRPLARSASP[Pro67=]KAKNLNGGLR

ClinVar aggregate classification (germline): Benign/Likely benign. Review status: criteria provided, multiple submitters, no conflicts (2 of 4 stars). 5 submissions from 5 submitters: Benign (1); Likely benign (3). 1 of the submissions does not count toward it. Last evaluated 2025-07-31.

Conditions:
Hereditary cancer-predisposing syndrome. Also called: Hereditary Cancer Syndrome; Neoplastic Syndromes, Hereditary; Tumor predisposition; Hereditary neoplastic syndrome. Identifiers: Orphanet 140162, MedGen C0027672, MeSH D009386, MONDO:0015356.
MSH6-related disorder. Also called: MSH6-related condition; MSH6-Related disorders.
Hereditary nonpolyposis colorectal neoplasms. Identifiers: MedGen C0009405, MeSH D003123.
Lynch syndrome 5 (LYNCH5). Also called: Colorectal cancer, hereditary nonpolyposis, type 5; Hereditary non-polyposis colorectal cancer, type 5. Identifiers: Orphanet 144, MedGen C1833477, MONDO:0013710, OMIM 614350. Disease mechanism: loss of function.

Submissions (5):

Labcorp Genetics (formerly Invitae), Labcorp
Classification: Likely benign for Hereditary nonpolyposis colorectal neoplasms. Last evaluated: 2025-07-31. Review status: criteria provided, single submitter. Criteria: Invitae Variant Classification Sherloc (09022015). Collection method: clinical testing. Allele origin: germline.

Myriad Genetics, Inc.
Classification: Benign for Lynch syndrome 5. Last evaluated: 2024-12-17. Review status: criteria provided, single submitter. Criteria: Myriad Autosomal Dominant, Autosomal Recessive and X-Linked Classification Criteria (2023). Collection method: clinical testing. Allele origin: unknown.
Comment: This variant is considered benign. This variant is a silent/synonymous amino acid change and it is not expected to impact splicing.

Color Diagnostics, LLC DBA Color Health
Classification: Likely benign for Hereditary cancer-predisposing syndrome. Last evaluated: 2017-11-17. Review status: criteria provided, single submitter. Criteria: ACMG Guidelines, 2015. Collection method: clinical testing. Allele origin: germline.

Ambry Genetics
Classification: Likely benign for Hereditary cancer-predisposing syndrome. Last evaluated: 2016-05-20. Review status: criteria provided, single submitter. Criteria: Ambry Variant Classification Scheme 2023. Collection method: clinical testing. Allele origin: germline.

PreventionGenetics, part of Exact Sciences
Classification: Likely benign for MSH6-related condition. Last evaluated: 2023-12-26. Review status: no assertion criteria provided. Collection method: clinical testing. Allele origin: germline. Not counted in ClinVar's aggregate classification.
Comment: This variant is classified as likely benign based on ACMG/AMP sequence variant interpretation guidelines (Richards et al. 2015 PMID: 25741868, with internal and published modifications).